The following is an entry in ClinVar:

NM_022089.4(ATP13A2):c.859G>A (p.Asp287Asn)

Gene: ATP13A2 (ATPase cation transporting 13A2; minus strand). Cytogenetic location: 1p36.13.
Variant type: single nucleotide variant.
Coding change: c.859G>A on transcript NM_022089.4 (MANE Select); coding-DNA position 859, G replaced by A.
Protein change: p.Asp287Asn; replaces aspartic acid 287 with asparagine.
Molecular consequence: missense variant.
Genome position (GRCh38, 1-based): chr1:17,000,294, C>T on the plus strand (G>A on the coding strand, the complement: ATP13A2 is on the minus strand). VCF-style: chr1-17000294-C-T. GRCh37 (hg19) VCF-style: chr1-17326789-C-T.
Other names: c.844G>A, p.Asp282Asn (NM_001141973.3, NM_001141974.3); short protein forms D282N, D287N.
Identifiers: ClinVar variation 689486 (VCV000689486.3), dbSNP rs764560082, ClinGen allele CA637460.

ClinVar aggregate classification (germline): Uncertain significance (1 of 4 stars; one submission).

Conditions:
Kufor-Rakeb syndrome (KRS). Also called: PARKINSON DISEASE 9, AUTOSOMAL RECESSIVE, JUVENILE-ONSET. Identifiers: Orphanet 306674, Orphanet 314632, MedGen C1847640, MONDO:0011706, OMIM 606693.

Allele frequency attached by ClinVar (database versions not stated): ExAC below 0.00001.
gnomAD v4.1: 6 of 1,579,996 alleles (0.00038%); highest among the groups gnomAD compares: South Asian, 0.0069%; no homozygotes.

Submission:

Foundation for Research in Genetics and Endocrinology, FRIGE's Institute of Human Genetics
Classification: Uncertain significance for Kufor-Rakeb syndrome. Last evaluated: 2019-07-02. Review status: criteria provided, single submitter. Criteria: ACMG Guidelines, 2015. Collection method: clinical testing. Allele origin: inherited. Inheritance: Autosomal recessive inheritance. Affected: yes. Observed: 1 heterozygote.
Comment: A heterozygous variant c.859G>A (p.Asp287Asn) in Exon-10 has been observed in the ATP13A2 gene. The variant has not been reported in the 1000 genomes database and in the ExAC database. The in silico prediction of the variant is damaging by LRT. In summary, the said variant meets our criteria to be classified as uncertain significance based on the mode of inheritance, in silico prediction, allele frequency in population databases and lack of segregation study.